The following is an entry in ClinVar:

ClinVar aggregate classification (germline): Uncertain significance (1 of 4 stars; one submission).

Submission:

GeneDx
Classification: Uncertain significance. Last evaluated: 2026-10-01. Review status: criteria provided, single submitter. Criteria: GeneDx Variant Classification Process June 2021. Collection method: clinical testing. Allele origin: germline.
Comment: Not observed at significant frequency in large population cohorts (gnomAD); In silico analysis supports that this missense variant has a deleterious effect on protein structure/function; Has not been previously published as pathogenic or benign to our knowledge

NM_001123385.2(BCOR):c.4478G>A (p.Arg1493Gln)

Gene: BCOR (BCL6 corepressor; minus strand). Cytogenetic location: Xp11.4.
Variant type: single nucleotide variant.
Coding change: c.4478G>A on transcript NM_001123385.2 (MANE Select); coding-DNA position 4478, G replaced by A.
Protein change: p.Arg1493Gln; replaces arginine 1493 with glutamine.
Molecular consequence: missense variant.
Genome position (GRCh38, 1-based): chrX:40,057,272, C>T on the plus strand (G>A on the coding strand, the complement: BCOR is on the minus strand). VCF-style: chrX-40057272-C-T. GRCh37 (hg19) VCF-style: chrX-39916525-C-T.
Other names: c.4376G>A, p.Arg1459Gln (NM_001123383.2, NM_017745.6); c.4322G>A, p.Arg1441Gln (NM_001123384.2); short protein forms R1441Q, R1459Q, R1493Q.
Identifiers: ClinVar variation 2507205 (VCV002507205.3), dbSNP rs2146924242, ClinGen allele CA412735643.